The following is an entry in ClinVar:

ClinVar aggregate classification (germline): Uncertain significance. Review status: criteria provided, multiple submitters, no conflicts (2 of 4 stars). 3 submissions from 3 submitters: Uncertain significance (3). Last evaluated 2023-02-23.

Conditions:
Inborn genetic diseases. Identifiers: MedGen C0950123, MeSH D030342.
Autosomal dominant Parkinson disease 8. Also called: LRRK2-Related Parkinson Disease; Parkinson disease 8; Parkinson disease 8, susceptibility to. Identifiers: Orphanet 411602, MedGen C1846862, MONDO:0011764, OMIM 607060.

Allele frequency attached by ClinVar (database versions not stated): gnomAD 0.00001; gnomAD exomes 0.00001; TOPMed 0.00001.
gnomAD v4.1: 4 of 1,613,884 alleles (0.00025%); highest among the groups gnomAD compares: East Asian, 0.0022%; no homozygotes.

Submissions (3):

Ambry Genetics
Classification: Uncertain significance for Inborn genetic diseases. Last evaluated: 2023-02-23. Review status: criteria provided, single submitter. Criteria: Ambry Variant Classification Scheme 2023. Collection method: clinical testing. Allele origin: germline.
Comment: The p.S778N variant (also known as c.2333G>A), located in coding exon 19 of the LRRK2 gene, results from a G to A substitution at nucleotide position 2333. The serine at codon 778 is replaced by asparagine, an amino acid with highly similar properties. This amino acid position is conserved. In addition, this alteration is predicted to be tolerated by in silico analysis. Since supporting evidence is limited at this time, the clinical significance of this alteration remains unclear.

Labcorp Genetics (formerly Invitae), Labcorp
Classification: Uncertain significance for Autosomal dominant Parkinson disease 8. Last evaluated: 2022-07-12. Review status: criteria provided, single submitter. Criteria: Invitae Variant Classification Sherloc (09022015). Collection method: clinical testing. Allele origin: germline.
Comment: In summary, the available evidence is currently insufficient to determine the role of this variant in disease. Therefore, it has been classified as a Variant of Uncertain Significance. Algorithms developed to predict the effect of missense changes on protein structure and function are either unavailable or do not agree on the potential impact of this missense change (SIFT: "Deleterious"; PolyPhen-2: "Possibly Damaging"; Align-GVGD: "Class C0"). ClinVar contains an entry for this variant (Variation ID: 934690). This variant has not been reported in the literature in individuals affected with LRRK2-related conditions. This variant is not present in population databases (gnomAD no frequency). This sequence change replaces serine, which is neutral and polar, with asparagine, which is neutral and polar, at codon 778 of the LRRK2 protein (p.Ser778Asn).

Fulgent Genetics
Classification: Uncertain significance for Autosomal dominant Parkinson disease 8. Last evaluated: 2021-12-18. Review status: criteria provided, single submitter. Criteria: ACMG Guidelines, 2015. Collection method: clinical testing. Allele origin: unknown.

NM_198578.4(LRRK2):c.2333G>A (p.Ser778Asn)

Gene: LRRK2 (leucine rich repeat kinase 2; plus strand). Cytogenetic location: 12q12.
Variant type: single nucleotide variant.
Coding change: c.2333G>A on transcript NM_198578.4 (MANE Select); coding-DNA position 2333, G replaced by A.
Protein change: p.Ser778Asn; replaces serine 778 with asparagine.
Molecular consequence: missense variant.
Genome position (GRCh38, 1-based): chr12:40,283,966, G>A. VCF-style: chr12-40283966-G-A. GRCh37 (hg19) VCF-style: chr12-40677768-G-A.
Other names: short protein forms S778N.
Identifiers: ClinVar variation 934690 (VCV000934690.12), dbSNP rs1356461363, ClinGen allele CA384406572.